The following is an entry in ClinVar:

NM_001166108.2(PALLD):c.3349G>A (p.Asp1117Asn)

Genes: CBR4 (carbonyl reductase 4; minus strand), PALLD (palladin, cytoskeletal associated protein; plus strand). Cytogenetic location: 4q32.3.
Variant type: single nucleotide variant.
Coding change: c.3349G>A on transcript NM_001166108.2 (MANE Select); coding-DNA position 3349, G replaced by A.
Protein change: p.Asp1117Asn; replaces aspartic acid 1117 with asparagine.
Molecular consequence: missense variant.
Genome position (GRCh38, 1-based): chr4:168,925,069, G>A. VCF-style: chr4-168925069-G-A. GRCh37 (hg19) VCF-style: chr4-169846220-G-A.
Other names: c.2152G>A, p.Asp718Asn (NM_001166109.2); c.1837G>A, p.Asp613Asn (NM_001166110.2); c.1177G>A, p.Asp393Asn (NM_001367567.1, NM_001367569.1); c.1228G>A, p.Asp410Asn (NM_001367568.1, NM_001367570.1); c.3298G>A, p.Asp1100Asn (NM_016081.4); short protein forms D410N, D718N, D393N, D1100N, D1117N, D613N.
Identifiers: ClinVar variation 853844 (VCV000853844.10), dbSNP rs1389221540, ClinGen allele CA358714402.
Genomic context (GRCh38, chr4:168,925,069, plus strand): 5'-GGGTGGTATACTGTGTCAGCCAAGAATGAAGCAGGGATTGTGTCCTGTACTGCCAGGCTG[G>A]ACGTTTACAGTGAGTGCCACTTCATCTCATTTCATTGCGTTTACTCATTAAATTATGAAA-3'
Protein context (NP_001159580.1, residues 1107-1123): AGIVSCTARL[Asp1117Asn]VYISRH

ClinVar aggregate classification (germline): Uncertain significance. Review status: criteria provided, multiple submitters, no conflicts (2 of 4 stars). 2 submissions from 2 submitters: Uncertain significance (2). Last evaluated 2025-11-10.

Conditions:
Pancreatic adenocarcinoma. Identifiers: MedGen C0281361, MONDO:0006047, HP:0006725.

Allele frequency attached by ClinVar (database versions not stated): gnomAD exomes below 0.00001.
gnomAD v4.1: 1 of 1,614,092 alleles (0.000062%); highest among the groups gnomAD compares: South Asian, 0.0011%; no homozygotes.

Submissions (2):

Ambry Genetics
Classification: Uncertain significance. Last evaluated: 2025-11-10. Review status: criteria provided, single submitter. Criteria: Ambry Variant Classification Scheme 2023. Collection method: clinical testing. Allele origin: germline.
Comment: The p.D613N variant (also known as c.1837G>A), located in coding exon 10 of the PALLD gene, results from a G to A substitution at nucleotide position 1837. The aspartic acid at codon 613 is replaced by asparagine, an amino acid with highly similar properties. This amino acid position is conserved. In addition, this alteration is predicted to be tolerated by in silico analysis. Based on the available evidence, the clinical significance of this variant remains unclear.

Labcorp Genetics (formerly Invitae), Labcorp
Classification: Uncertain significance for Pancreatic adenocarcinoma. Last evaluated: 2021-07-16. Review status: criteria provided, single submitter. Criteria: Invitae Variant Classification Sherloc (09022015). Collection method: clinical testing. Allele origin: germline.
Comment: In summary, the available evidence is currently insufficient to determine the role of this variant in disease. Therefore, it has been classified as a Variant of Uncertain Significance. Algorithms developed to predict the effect of missense changes on protein structure and function are either unavailable or do not agree on the potential impact of this missense change (SIFT: "Deleterious"; PolyPhen-2: "Possibly Damaging"; Align-GVGD: "Class C15"). This variant has not been reported in the literature in individuals with PALLD-related conditions. This variant is not present in population databases (ExAC no frequency). This sequence change replaces aspartic acid with asparagine at codon 613 of the PALLD protein (p.Asp613Asn). The aspartic acid residue is highly conserved and there is a small physicochemical difference between aspartic acid and asparagine.